The following is an entry in ClinVar:

ClinVar aggregate classification (germline): Uncertain significance. Review status: criteria provided, multiple submitters, no conflicts (2 of 4 stars). 2 submissions from 2 submitters: Uncertain significance (2). Last evaluated 2025-07-31.

Conditions:
Inborn genetic diseases. Identifiers: MedGen C0950123, MeSH D030342.

Allele frequency attached by ClinVar (database versions not stated): gnomAD exomes 0.00004; ESP Exome Variant Server 0.00008; ExAC 0.00013.
gnomAD v4.1: 67 of 1,612,950 alleles (0.0042%); highest among the groups gnomAD compares: Admixed American, 0.0083%; no homozygotes.

Submissions (2):

Ambry Genetics
Classification: Uncertain significance for Inborn genetic diseases. Last evaluated: 2025-07-31. Review status: criteria provided, single submitter. Criteria: Ambry Variant Classification Scheme 2023. Collection method: clinical testing. Allele origin: germline.

GeneDx
Classification: Uncertain significance. Last evaluated: 2025-02-21. Review status: criteria provided, single submitter. Criteria: GeneDx Variant Classification Process June 2021. Collection method: clinical testing. Allele origin: germline. Affected: yes.
Comment: In silico analysis indicates that this missense variant does not alter protein structure/function; Has not been previously published as pathogenic or benign to our knowledge

NM_016121.5(KCTD3):c.554G>A (p.Arg185Gln)

Gene: KCTD3 (potassium channel tetramerization domain containing 3; plus strand). Cytogenetic location: 1q41.
Variant type: single nucleotide variant.
Coding change: c.554G>A on transcript NM_016121.5 (MANE Select); coding-DNA position 554, G replaced by A.
Protein change: p.Arg185Gln; replaces arginine 185 with glutamine.
Molecular consequence: missense variant.
Genome position (GRCh38, 1-based): chr1:215,579,927, G>A. VCF-style: chr1-215579927-G-A. GRCh37 (hg19) VCF-style: chr1-215753270-G-A.
Other names: c.554G>A, p.Arg185Gln (NM_001319294.2); c.248G>A, p.Arg83Gln (NM_001319295.2); short protein forms R83Q, R185Q.
Identifiers: ClinVar variation 2456456 (VCV002456456.4), dbSNP rs370509594, ClinGen allele CA1392177.